The following is an entry in ClinVar:

NM_000138.5(FBN1):c.6038-3T>C

Gene: FBN1 (fibrillin 1; minus strand). Cytogenetic location: 15q21.1.
Variant type: single nucleotide variant.
Coding change: c.6038-3T>C on transcript NM_000138.5 (MANE Select); 3 bases into the intron before coding-DNA position 6038, T replaced by C.
Molecular consequence: intron variant.
Genome position (GRCh38, 1-based): chr15:48,441,849, A>G on the plus strand (T>C on the coding strand, the complement: FBN1 is on the minus strand). VCF-style: chr15-48441849-A-G. GRCh37 (hg19) VCF-style: chr15-48734046-A-G.
Identifiers: ClinVar variation 840163 (VCV000840163.8), dbSNP rs2043117848, ClinGen allele CA916082415.
Genomic context (GRCh38, chr15:48,441,849, plus strand): 5'-GTGTTACTGCATGTGCCCAGGGCACAAATTTCTGGCTCTTCGACACACTCATCAATATCT[A>G]AAAGAATCACATGAGTCAAACAAAGTCAAAACACGATGGAGACATCATCAGGTACCAAAC-3'

ClinVar aggregate classification (germline): Conflicting classifications of pathogenicity. Review status: criteria provided, conflicting classifications (1 of 4 stars). 2 submissions from 2 submitters: Uncertain significance (1); Likely benign (1). Last evaluated 2025-05-30.

Conditions:
Familial thoracic aortic aneurysm and aortic dissection (TAAD). Also called: Thoracic aortic aneurysms and dissections. Identifiers: Orphanet 91387, MedGen C4707243, MONDO:0019625.
Marfan syndrome (MFS). Also called: FBN1-Related Marfan Syndrome; Marfan's syndrome; MARFAN SYNDROME, TYPE I; Marfan syndrome type 1; Marfan syndrome, classic. Identifiers: Orphanet 284963, Orphanet 558, MedGen C0024796, MONDO:0007947, OMIM 154700.

Submissions (2):

Color Diagnostics, LLC DBA Color Health
Classification: Likely benign for Familial thoracic aortic aneurysm and aortic dissection. Last evaluated: 2025-05-30. Review status: criteria provided, single submitter. Criteria: ACMG Guidelines, 2015. Collection method: clinical testing. Allele origin: germline.

Labcorp Genetics (formerly Invitae), Labcorp
Classification: Uncertain significance for Marfan syndrome; Familial thoracic aortic aneurysm and aortic dissection. Last evaluated: 2024-01-03. Review status: criteria provided, single submitter. Criteria: Invitae Variant Classification Sherloc (09022015). Collection method: clinical testing. Allele origin: germline.
Comment: This sequence change falls in intron 49 of the FBN1 gene. It does not directly change the encoded amino acid sequence of the FBN1 protein. It affects a nucleotide within the consensus splice site. This variant is not present in population databases (gnomAD no frequency). This variant has not been reported in the literature in individuals affected with FBN1-related conditions. ClinVar contains an entry for this variant (Variation ID: 840163). Variants that disrupt the consensus splice site are a relatively common cause of aberrant splicing (PMID: 17576681, 9536098). Algorithms developed to predict the effect of sequence changes on RNA splicing suggest that this variant is not likely to affect RNA splicing. In summary, the available evidence is currently insufficient to determine the role of this variant in disease. Therefore, it has been classified as a Variant of Uncertain Significance.

Literature cited by the submitters: PubMed 17576681 (cited by Labcorp Genetics (formerly Invitae), Labcorp); PubMed 9536098 (cited by Labcorp Genetics (formerly Invitae), Labcorp).